The following is an entry in ClinVar:

ClinVar aggregate classification (germline): Uncertain significance (1 of 4 stars; one submission).

Submission:

GeneDx
Classification: Uncertain significance. Last evaluated: 2022-01-07. Review status: criteria provided, single submitter. Criteria: GeneDx Variant Classification Process June 2021. Collection method: clinical testing. Allele origin: germline. Affected: yes.
Comment: Frameshift variant predicted to result in protein truncation or nonsense mediated decay in a gene for which loss-of-function is a known mechanism of disease; Has not been previously published as pathogenic or benign to our knowledge

NM_004830.4(MED23):c.446del (p.Pro149fs)

Gene: MED23 (mediator complex subunit 23; minus strand). Cytogenetic location: 6q23.2.
Variant type: Deletion.
Coding change: c.446del on transcript NM_004830.4 (MANE Select); coding-DNA position 446, one base deleted (C; older notation c.446delC).
Protein change: p.Pro149fs; shifts the reading frame from proline 149.
Molecular consequence: frameshift variant.
Genome position (GRCh38, 1-based): chr6:131,621,930, G deleted on the plus strand (C on the coding strand, the reverse complement: MED23 is on the minus strand); the first of 2 consecutive G bases (chr6:131,621,930-131,621,931); deleting either gives the same sequence. VCF-style (leftmost placement, unchanged base first): chr6-131621929-AG-A. GRCh37 (hg19) VCF-style: chr6-131943069-AG-A.
Other names: c.446del, p.Pro149fs (NM_001270521.2, NM_001270522.2, NM_001376517.1 and 7 more transcripts); c.374del, p.Pro125fs (NM_001376518.1); short protein forms P125fs, P149fs.
Identifiers: ClinVar variation 1695594 (VCV001695594.2), dbSNP rs750449706, ClinGen allele CA4000245.